The following is an entry in ClinVar:

ClinVar aggregate classification (germline): Pathogenic. Review status: criteria provided, multiple submitters, no conflicts (2 of 4 stars). 3 submissions from 3 submitters: Pathogenic (3). Last evaluated 2022-05-22.

Conditions:
Duchenne muscular dystrophy (DMD). Also called: MUSCULAR DYSTROPHY, PSEUDOHYPERTROPHIC PROGRESSIVE, DUCHENNE TYPE; Duchenne Muscular Dystrophy (DMD). Identifiers: Orphanet 98896, MedGen C0013264, MONDO:0010679, OMIM 310200.

Submissions (3):

3billion
Classification: Pathogenic for Duchenne muscular dystrophy. Last evaluated: 2022-05-22. Review status: criteria provided, single submitter. Criteria: ACMG Guidelines, 2015. Collection method: clinical testing. Allele origin: germline. Affected: yes. Observed: 1 hemizygote.
Comment: The variant is not observed in the gnomAD v2.1.1 dataset. Frameshift: predicted to result in a loss or disruption of normal protein function through nonsense-mediated decay (NMD) or protein truncation. Multiple pathogenic variants are reported downstream of the variant. The variant has been reported at least twice as pathogenic with clinical assertions and evidence for the classification (ClinVar ID: VCV000963833 / PMID: 16770791). Therefore, this variant is classified as pathogenic according to the recommendation of ACMG/AMP guideline.

Genome-Nilou Lab
Classification: Pathogenic for Duchenne muscular dystrophy. Last evaluated: 2021-07-22. Review status: criteria provided, single submitter. Criteria: ACMG Guidelines, 2015. Collection method: clinical testing. Allele origin: germline. Affected: no.

Labcorp Genetics (formerly Invitae), Labcorp
Classification: Pathogenic for Duchenne muscular dystrophy. Last evaluated: 2019-08-25. Review status: criteria provided, single submitter. Criteria: Invitae Variant Classification Sherloc (09022015). Collection method: clinical testing. Allele origin: germline.
Comment: For these reasons, this variant has been classified as Pathogenic. Loss-of-function variants in DMD are known to be pathogenic (PMID: 16770791, 25007885). This variant has been observed in an individual affected with Duchenne muscular dystrophy (PMID: 16770791). This variant is not present in population databases (ExAC no frequency). This sequence change creates a premature translational stop signal (p.Glu1211Lysfs*4) in the DMD gene. It is expected to result in an absent or disrupted protein product.

Literature cited by the submitters: PubMed 16770791 (cited by 3billion and Labcorp Genetics (formerly Invitae), Labcorp); PubMed 25007885 (cited by Labcorp Genetics (formerly Invitae), Labcorp).

NM_004006.3(DMD):c.3630del (p.Glu1211fs)

Gene: DMD (dystrophin; minus strand). Cytogenetic location: Xp21.1.
Variant type: Deletion.
Coding change: c.3630del on transcript NM_004006.3 (MANE Select); coding-DNA position 3630, one base deleted (A; older notation c.3630delA).
Protein change: p.Glu1211fs; shifts the reading frame from glutamic acid 1211.
Molecular consequence: frameshift variant.
Genome position (GRCh38, 1-based): chrX:32,448,612, T deleted on the plus strand (A on the coding strand, the reverse complement: DMD is on the minus strand); the first of 5 consecutive T bases (chrX:32,448,612-32,448,616); deleting any one gives the same sequence. VCF-style (leftmost placement, unchanged base first): chrX-32448611-CT-C. GRCh37 (hg19) VCF-style: chrX-32466728-CT-C.
Other names: c.3606del, p.Glu1203fs (NM_000109.4); c.3618del, p.Glu1207fs (NM_004009.3); c.3261del, p.Glu1088fs (NM_004010.3); short protein forms E1211fs, E1088fs, E1203fs, E1207fs.
Identifiers: ClinVar variation 963833 (VCV000963833.14), dbSNP rs2098315232, ClinGen allele CA645619756.